The following is an entry in ClinVar:

NM_004371.4(COPA):c.1222C>T (p.Pro408Ser)

Gene: COPA (coat protein complex I subunit alpha; minus strand). Cytogenetic location: 1q23.2.
Variant type: single nucleotide variant.
Coding change: c.1222C>T on transcript NM_004371.4 (MANE Select); coding-DNA position 1222, C replaced by T.
Protein change: p.Pro408Ser; replaces proline 408 with serine.
Molecular consequence: missense variant.
Genome position (GRCh38, 1-based): chr1:160,307,243, G>A on the plus strand (C>T on the coding strand, the complement: COPA is on the minus strand). VCF-style: chr1-160307243-G-A. GRCh37 (hg19) VCF-style: chr1-160277033-G-A.
Other names: c.1222C>T, p.Pro408Ser (NM_001098398.2); short protein forms P408S.
Identifiers: ClinVar variation 2998699 (VCV002998699.3), dbSNP rs781468885, ClinGen allele CA1198145.

ClinVar aggregate classification (germline): Uncertain significance (1 of 4 stars; one submission).

Conditions:
Autoimmune interstitial lung disease-arthritis syndrome. Also called: Autoinflammation and autoimmunity, systemic, with immune dysregulation. Identifiers: Orphanet 444092, MedGen C5975714, MONDO:0014629.

Allele frequency attached by ClinVar (database versions not stated): TOPMed below 0.00001; ExAC 0.00001; gnomAD exomes 0.00001.
gnomAD v4.1: 15 of 1,614,166 alleles (0.00093%); highest among the groups gnomAD compares: Non-Finnish European, 0.0012%; no homozygotes.

Submission:

Labcorp Genetics (formerly Invitae), Labcorp
Classification: Uncertain significance for Autoimmune interstitial lung disease-arthritis syndrome. Last evaluated: 2023-02-14. Review status: criteria provided, single submitter. Criteria: Invitae Variant Classification Sherloc (09022015). Collection method: clinical testing. Allele origin: germline.
Comment: This sequence change replaces proline, which is neutral and non-polar, with serine, which is neutral and polar, at codon 408 of the COPA protein (p.Pro408Ser). This variant is present in population databases (rs781468885, gnomAD 0.0009%). This variant has not been reported in the literature in individuals affected with COPA-related conditions. In summary, the available evidence is currently insufficient to determine the role of this variant in disease. Therefore, it has been classified as a Variant of Uncertain Significance. Algorithms developed to predict the effect of missense changes on protein structure and function (SIFT, PolyPhen-2, Align-GVGD) all suggest that this variant is likely to be tolerated.